The following is an entry in ClinVar:

NM_017950.4(CCDC40):c.2995C>T (p.Arg999Cys)

Gene: CCDC40 (coiled-coil domain 40 molecular ruler complex subunit; plus strand). Cytogenetic location: 17q25.3.
Variant type: single nucleotide variant.
Coding change: c.2995C>T on transcript NM_017950.4 (MANE Select); coding-DNA position 2995, C replaced by T.
Protein change: p.Arg999Cys; replaces arginine 999 with cysteine.
Molecular consequence: missense variant.
Genome position (GRCh38, 1-based): chr17:80,095,425, C>T. VCF-style: chr17-80095425-C-T. GRCh37 (hg19) VCF-style: chr17-78069224-C-T.
Other names: short protein forms R999C.
Identifiers: ClinVar variation 1520928 (VCV001520928.8), dbSNP rs546342011, ClinGen allele CA401355252.

ClinVar aggregate classification (germline): Uncertain significance. Review status: criteria provided, multiple submitters, no conflicts (2 of 4 stars). 2 submissions from 2 submitters: Uncertain significance (2). Last evaluated 2025-10-15.

Conditions:
Primary ciliary dyskinesia. Also called: Ciliary dyskinesia. Identifiers: Orphanet 244, MedGen C0008780, MONDO:0016575, HP:0012265.

gnomAD v4.1: 3 of 1,614,044 alleles (0.00019%); highest among the groups gnomAD compares: South Asian, 0.0022%; no homozygotes.

Submissions (2):

Labcorp Genetics (formerly Invitae), Labcorp
Classification: Uncertain significance for Primary ciliary dyskinesia. Last evaluated: 2025-10-15. Review status: criteria provided, single submitter. Criteria: Invitae Variant Classification Sherloc (09022015). Collection method: clinical testing. Allele origin: germline.
Comment: This sequence change replaces arginine, which is basic and polar, with cysteine, which is neutral and slightly polar, at codon 999 of the CCDC40 protein (p.Arg999Cys). This variant is not present in population databases (gnomAD no frequency). This variant has not been reported in the literature in individuals affected with CCDC40-related conditions. ClinVar contains an entry for this variant (Variation ID: 1520928). Invitae Evidence Modeling of protein sequence and biophysical properties (such as structural, functional, and spatial information, amino acid conservation, physicochemical variation, residue mobility, and thermodynamic stability) indicates that this missense variant is not expected to disrupt CCDC40 protein function with a negative predictive value of 80%. In summary, the available evidence is currently insufficient to determine the role of this variant in disease. Therefore, it has been classified as a Variant of Uncertain Significance.

Ambry Genetics
Classification: Uncertain significance for Primary ciliary dyskinesia. Last evaluated: 2022-10-23. Review status: criteria provided, single submitter. Criteria: Ambry Variant Classification Scheme 2023. Collection method: clinical testing. Allele origin: germline.
Comment: The p.R999C variant (also known as c.2995C>T), located in coding exon 18 of the CCDC40 gene, results from a C to T substitution at nucleotide position 2995. The arginine at codon 999 is replaced by cysteine, an amino acid with highly dissimilar properties. This amino acid position is conserved. In addition, this alteration is predicted to be tolerated by in silico analysis. Since supporting evidence is limited at this time, the clinical significance of this alteration remains unclear.